The following is an entry in ClinVar:

ClinVar aggregate classification (germline): Uncertain significance (1 of 4 stars; one submission).

Submission:

Labcorp Genetics (formerly Invitae), Labcorp
Classification: Uncertain significance. Last evaluated: 2022-04-03. Review status: criteria provided, single submitter. Criteria: Invitae Variant Classification Sherloc (09022015). Collection method: clinical testing. Allele origin: germline.
Comment: In summary, the available evidence is currently insufficient to determine the role of this variant in disease. Therefore, it has been classified as a Variant of Uncertain Significance. Algorithms developed to predict the effect of missense changes on protein structure and function (SIFT, PolyPhen-2, Align-GVGD) all suggest that this variant is likely to be tolerated. This variant has not been reported in the literature in individuals affected with HSPG2-related conditions. This variant is not present in population databases (gnomAD no frequency). This sequence change replaces glutamic acid, which is acidic and polar, with valine, which is neutral and non-polar, at codon 966 of the HSPG2 protein (p.Glu966Val).

NM_005529.7(HSPG2):c.2897A>T (p.Glu966Val)

Gene: HSPG2 (heparan sulfate proteoglycan 2; minus strand). Cytogenetic location: 1p36.12.
Variant type: single nucleotide variant.
Coding change: c.2897A>T on transcript NM_005529.7 (MANE Select); coding-DNA position 2897, A replaced by T.
Protein change: p.Glu966Val; replaces glutamic acid 966 with valine.
Molecular consequence: missense variant.
Genome position (GRCh38, 1-based): chr1:21,876,335, T>A on the plus strand (A>T on the coding strand, the complement: HSPG2 is on the minus strand). VCF-style: chr1-21876335-T-A. GRCh37 (hg19) VCF-style: chr1-22202828-T-A.
Other names: c.2900A>T, p.Glu967Val (NM_001291860.2); short protein forms E966V, E967V.
Identifiers: ClinVar variation 2121129 (VCV002121129.4), dbSNP rs2550766307, ClinGen allele CA338962915.